The following is an entry in ClinVar:

ClinVar aggregate classification (germline): Benign/Likely benign. Review status: criteria provided, multiple submitters, no conflicts (2 of 4 stars). 8 submissions from 8 submitters: Benign (3); Likely benign (5). Last evaluated 2026-01-26.

Conditions:
Primary ciliary dyskinesia. Also called: Ciliary dyskinesia. Identifiers: Orphanet 244, MedGen C0008780, MONDO:0016575, HP:0012265.
Primary ciliary dyskinesia 15. Also called: CILIARY DYSKINESIA, PRIMARY, 15, WITH OR WITHOUT SITUS INVERSUS. Identifiers: Orphanet 244, MedGen C3151137, MONDO:0013435, OMIM 613808.

Allele frequency attached by ClinVar (database versions not stated): ESP Exome Variant Server 0.00319; gnomAD 0.00331 and 0.00365; 1000 Genomes Project 0.00399; TOPMed 0.00409; 1000 Genomes Project 30x 0.00422; gnomAD exomes 0.00041 and 0.00093; ExAC 0.00112.
gnomAD v4.1: 1,136 of 1,613,804 alleles (0.07%); highest among the groups gnomAD compares: African/African-American, 1.2%; 4 homozygotes.

Submissions (8):

Labcorp Genetics (formerly Invitae), Labcorp
Classification: Benign for Primary ciliary dyskinesia. Last evaluated: 2026-01-26. Review status: criteria provided, single submitter. Criteria: Invitae Variant Classification Sherloc (09022015). Collection method: clinical testing. Allele origin: germline.

Mayo Clinic Laboratories, Mayo Clinic
Classification: Benign. Last evaluated: 2025-03-06. Review status: criteria provided, single submitter. Criteria: ACMG Guidelines, 2015. Collection method: clinical testing. Allele origin: germline. Observed: 1 variant allele.
Comment: BS1, BS2, BP4

Blueprint Genetics
Classification: Likely benign. Last evaluated: 2024-11-06. Review status: criteria provided, single submitter. Criteria: ACMG Guidelines, 2015. Collection method: clinical testing. Allele origin: germline.

CeGaT Center for Human Genetics Tuebingen
Classification: Likely benign. Last evaluated: 2024-11-01. Review status: criteria provided, single submitter. Criteria: CeGaT Center For Human Genetics Tuebingen Variant Classification Criteria Version 2. Collection method: clinical testing. Allele origin: germline. Affected: yes. Observed: 1 variant allele.
Comment: CCDC40: BP4, BS1

ARUP Laboratories, Molecular Genetics and Genomics, ARUP Laboratories
Classification: Likely benign for Primary ciliary dyskinesia 15. Last evaluated: 2023-08-30. Review status: criteria provided, single submitter. Criteria: ARUP Molecular Germline Variant Investigation Process 2024. Collection method: clinical testing. Allele origin: germline.

Ambry Genetics
Classification: Likely benign for Primary ciliary dyskinesia. Last evaluated: 2021-10-04. Review status: criteria provided, single submitter. Criteria: Ambry Variant Classification Scheme 2023. Collection method: clinical testing. Allele origin: germline.

Illumina Laboratory Services, Illumina
Classification: Likely benign for Primary ciliary dyskinesia 15. Last evaluated: 2018-01-13. Review status: criteria provided, single submitter. Criteria: ICSL Variant Classification Criteria 13 December 2019. Collection method: clinical testing. Allele origin: germline.
Comment: This variant was observed in the ICSL laboratory as part of a predisposition screen in an ostensibly healthy population. It had not been previously curated by ICSL or reported in the Human Gene Mutation Database (HGMD: prior to June 1st, 2018), and was therefore a candidate for classification through an automated scoring system. Utilizing variant allele frequency, disease prevalence and penetrance estimates, and inheritance mode, an automated score was calculated to assess if this variant is too frequent to cause the disease. Based on the score and internal cut-off values, a variant classified as likely benign is not then subjected to further curation. The score for this variant resulted in a classification of likely benign for this disease.

Eurofins Ntd Llc (ga)
Classification: Benign. Last evaluated: 2014-05-07. Review status: criteria provided, single submitter. Criteria: EGL Classification Definitions 2015. Collection method: clinical testing. Allele origin: germline. Observed: 1 variant allele, 1 heterozygote.

NM_017950.4(CCDC40):c.3349G>A (p.Glu1117Lys)

Gene: CCDC40 (coiled-coil domain 40 molecular ruler complex subunit; plus strand). Cytogenetic location: 17q25.3.
Variant type: single nucleotide variant.
Coding change: c.3349G>A on transcript NM_017950.4 (MANE Select); coding-DNA position 3349, G replaced by A.
Protein change: p.Glu1117Lys; replaces glutamic acid 1117 with lysine.
Molecular consequence: missense variant.
Genome position (GRCh38, 1-based): chr17:80,099,695, G>A. VCF-style: chr17-80099695-G-A. GRCh37 (hg19) VCF-style: chr17-78073494-G-A.
Other names: p.Glu1117Lys; short protein forms E1117K.
Identifiers: ClinVar variation 195523 (VCV000195523.37), dbSNP rs145595957, ClinGen allele CA201805.